The following is an entry in ClinVar:

ClinVar aggregate classification (germline): Pathogenic (1 of 4 stars; one submission).

Conditions:
Joubert syndrome and related disorders. Identifiers: Orphanet 140874, MedGen C5679612, MONDO:0015369.

Submission:

Myriad Genetics, Inc.
Classification: Pathogenic for Joubert syndrome and related disorders. Last evaluated: 2025-03-22. Review status: criteria provided, single submitter. Criteria: Myriad Autosomal Dominant, Autosomal Recessive and X-Linked Classification Criteria (2023). Collection method: clinical testing. Allele origin: unknown.
Comment: NM_001080522.2(CC2D2A):c.2998_2999delGA(E1000Sfs*38) is expected to be pathogenic in the context of CC2D2A-related disorders. This variant is predicted to lead to an abnormal or absent protein product due to the creation of a premature termination codon in CC2D2A, a gene where loss-of-function variants are known to be pathogenic. Please note: this variant was assessed in the context of healthy population screening.

NM_001378615.1(CC2D2A):c.2998_2999del (p.Glu1000fs)

Genes: CC2D2A (coiled-coil and C2 domain containing 2A; plus strand), FBXL5 (F-box and leucine rich repeat protein 5; minus strand). Cytogenetic location: 4p15.32.
Variant type: Deletion.
Coding change: c.2998_2999del on transcript NM_001378615.1 (MANE Select); coding-DNA positions 2998 to 2999, 2 bases deleted (GA; older notation c.2998_2999delGA).
Protein change: p.Glu1000fs; shifts the reading frame from glutamic acid 1000.
Molecular consequence: frameshift variant.
Genome position (GRCh38, 1-based): chr4:15,560,606-15,560,607, GA deleted; deleting any 2 consecutive bases within chr4:15,560,605-15,560,607 gives the same sequence; the c. name uses the placement nearest the transcript's 3' end. VCF-style (leftmost placement, unchanged base first): chr4-15560604-AAG-A. GRCh37 (hg19) VCF-style: chr4-15562227-AAG-A.
Other names: c.2998_2999del, p.Glu1000fs (NM_001080522.2); c.2851_2852del, p.Glu951fs (NM_001378617.1); short protein forms E1000fs, E951fs.
Identifiers: ClinVar variation 5014245 (VCV005014245.1).